The following is an entry in ClinVar:

NM_000018.4(ACADVL):c.632T>C (p.Val211Ala)

Gene: ACADVL (acyl-CoA dehydrogenase very long chain; plus strand). Cytogenetic location: 17p13.1.
Variant type: single nucleotide variant.
Coding change: c.632T>C on transcript NM_000018.4 (MANE Select); coding-DNA position 632, T replaced by C.
Protein change: p.Val211Ala; replaces valine 211 with alanine.
Molecular consequence: missense variant.
Genome position (GRCh38, 1-based): chr17:7,221,961, T>C. VCF-style: chr17-7221961-T-C. GRCh37 (hg19) VCF-style: chr17-7125280-T-C.
Other names: c.566T>C, p.Val189Ala (NM_001033859.3); c.701T>C, p.Val234Ala (NM_001270447.2); c.404T>C, p.Val135Ala (NM_001270448.2); short protein forms V211A, V234A, V135A, V189A.
Identifiers: ClinVar variation 2106671 (VCV002106671.4), dbSNP rs2508296147, ClinGen allele CA397723355.

ClinVar aggregate classification (germline): Uncertain significance (1 of 4 stars; one submission).

Conditions:
Very long chain acyl-CoA dehydrogenase deficiency (ACADVLD). Also called: Very Long-Chain Acyl-Coenzyme A Dehydrogenase Deficiency; VLCAD Deficiency. Identifiers: Orphanet 26793, MedGen C3887523, MONDO:0008723, OMIM 201475.

Allele frequency attached by ClinVar (database versions not stated): gnomAD exomes below 0.00001.
gnomAD v4.1: 6 of 1,614,086 alleles (0.00037%); highest among the groups gnomAD compares: Non-Finnish European, 0.00051%; no homozygotes.

Submission:

Labcorp Genetics (formerly Invitae), Labcorp
Classification: Uncertain significance for Very long chain acyl-CoA dehydrogenase deficiency. Last evaluated: 2022-03-04. Review status: criteria provided, single submitter. Criteria: Invitae Variant Classification Sherloc (09022015). Collection method: clinical testing. Allele origin: germline.
Comment: In summary, the available evidence is currently insufficient to determine the role of this variant in disease. Therefore, it has been classified as a Variant of Uncertain Significance. Algorithms developed to predict the effect of missense changes on protein structure and function (SIFT, PolyPhen-2, Align-GVGD) all suggest that this variant is likely to be tolerated. This sequence change replaces valine, which is neutral and non-polar, with alanine, which is neutral and non-polar, at codon 211 of the ACADVL protein (p.Val211Ala). This variant is not present in population databases (gnomAD no frequency). This variant has not been reported in the literature in individuals affected with ACADVL-related conditions.